The following is an entry in ClinVar:

ClinVar aggregate classification (germline): Conflicting classifications of pathogenicity. Review status: criteria provided, conflicting classifications (1 of 4 stars). 3 submissions from 3 submitters: Uncertain significance (2); Benign (1). Last evaluated 2025-12-29.

Conditions:
Cardiovascular phenotype. Identifiers: MedGen CN230736.
Hypertrophic cardiomyopathy. Also called: HYPERTROPHIC MYOCARDIOPATHY. Identifiers: Orphanet 217569, MedGen C0007194, MeSH D002312, MONDO:0005045, HP:0001639.

Submissions (3):

Labcorp Genetics (formerly Invitae), Labcorp
Classification: Uncertain significance for Hypertrophic cardiomyopathy. Last evaluated: 2025-12-29. Review status: criteria provided, single submitter. Criteria: Invitae Variant Classification Sherloc (09022015). Collection method: clinical testing. Allele origin: germline.
Comment: This sequence change replaces leucine, which is neutral and non-polar, with isoleucine, which is neutral and non-polar, at codon 50 of the TPM1 protein (p.Leu50Ile). This variant is not present in population databases (gnomAD no frequency). This variant has not been reported in the literature in individuals affected with TPM1-related conditions. ClinVar contains an entry for this variant (Variation ID: 408135). An algorithm developed to predict the effect of missense changes on protein structure and function (PolyPhen-2) suggests that this variant is likely to be tolerated. In summary, the available evidence is currently insufficient to determine the role of this variant in disease. Therefore, it has been classified as a Variant of Uncertain Significance.

Ambry Genetics
Classification: Uncertain significance for Cardiovascular phenotype. Last evaluated: 2023-12-25. Review status: criteria provided, single submitter. Criteria: Ambry Variant Classification Scheme 2023. Collection method: clinical testing. Allele origin: germline.
Comment: The p.L50I variant (also known as c.148C>A), located in coding exon 2 of the TPM1 gene, results from a C to A substitution at nucleotide position 148. The leucine at codon 50 is replaced by isoleucine, an amino acid with highly similar properties. This amino acid position is conserved. In addition, the in silico prediction for this alteration is inconclusive. Since supporting evidence is limited at this time, the clinical significance of this alteration remains unclear.

GeneDx
Classification: Benign. Last evaluated: 2015-03-03. Review status: criteria provided, single submitter. Criteria: GeneDx Variant Classification Process June 2021. Collection method: clinical testing. Allele origin: germline. Affected: yes.

NM_001018005.2(TPM1):c.148C>A (p.Leu50Ile)

Gene: TPM1 (tropomyosin 1; plus strand). Cytogenetic location: 15q22.2.
Variant type: single nucleotide variant.
Coding change: c.148C>A on transcript NM_001018005.2 (MANE Select); coding-DNA position 148, C replaced by A.
Protein change: p.Leu50Ile; replaces leucine 50 with isoleucine.
Molecular consequence: missense variant. On other transcripts: intron variant (3).
Genome position (GRCh38, 1-based): chr15:63,044,060, C>A. VCF-style: chr15-63044060-C-A. GRCh37 (hg19) VCF-style: chr15-63336259-C-A.
Other names: c.148C>A, p.Leu50Ile (NM_000366.6, NM_001018004.2, NM_001018006.2 and 3 more transcripts); c.274C>A, p.Leu92Ile (NM_001365778.1); c.240+229C>A (NM_001018020.2, NM_001018007.2, NM_001301244.2); short protein forms L50I, L92I.
Identifiers: ClinVar variation 408135 (VCV000408135.9), dbSNP rs1060501866, ClinGen allele CA16614539.